The following is an entry in ClinVar:

ClinVar aggregate classification (germline): Pathogenic (1 of 4 stars; one submission).

Conditions:
Hermansky-Pudlak syndrome 1 (HPS1). Also called: DELTA STORAGE POOL DISEASE. Identifiers: Orphanet 231500, Orphanet 79430, MedGen C2931875, MONDO:0008748, OMIM 203300.

Submission:

Myriad Genetics, Inc.
Classification: Pathogenic for Hermansky-Pudlak syndrome 1. Last evaluated: 2026-02-23. Review status: criteria provided, single submitter. Criteria: Myriad Autosomal Dominant, Autosomal Recessive and X-Linked Classification Criteria (2023). Collection method: clinical testing. Allele origin: unknown.
Comment: NM_000195.3(HPS1):c.985C>T(Q329*) is expected to be pathogenic in the context of Hermansky-Pudlak syndrome, HPS1-related. This variant is predicted to lead to an abnormal or absent protein product due to the creation of a premature termination codon in HPS1, a gene where loss-of-function variants are known to be pathogenic. Please note: this variant was assessed in the context of healthy population screening.

NM_000195.5(HPS1):c.985C>T (p.Gln329Ter)

Gene: HPS1 (HPS1 biogenesis of lysosomal organelles complex 3 subunit 1; minus strand). Cytogenetic location: 10q24.2.
Variant type: single nucleotide variant.
Coding change: c.985C>T on transcript NM_000195.5 (MANE Select); coding-DNA position 985, C replaced by T.
Protein change: p.Gln329Ter; replaces glutamine 329 with a stop codon.
Molecular consequence: nonsense.
Genome position (GRCh38, 1-based): chr10:98,427,217, G>A on the plus strand (C>T on the coding strand, the complement: HPS1 is on the minus strand). VCF-style: chr10-98427217-G-A. GRCh37 (hg19) VCF-style: chr10-100186974-G-A.
Other names: c.13C>T, p.Gln5Ter (NM_001311345.2, NM_001322487.2, NM_001322489.2); c.985C>T, p.Gln329Ter (NM_001322476.2, NM_001322477.2); c.886C>T, p.Gln296Ter (NM_001322478.2, NM_001322479.2); c.724C>T, p.Gln242Ter (NM_001322480.2, NM_001322481.2); c.625C>T, p.Gln209Ter (NM_001322482.2); c.616C>T, p.Gln206Ter (NM_001322483.2, NM_001322484.2); c.517C>T, p.Gln173Ter (NM_001322485.2); short protein forms Q173*, Q206*, Q209*, Q242*, Q296*, Q329*, Q5*.
Identifiers: ClinVar variation 5015599 (VCV005015599.1).